The following is an entry in ClinVar:

NM_033118.4(MYLK2):c.1018C>T (p.Arg340Cys)

Gene: MYLK2 (myosin light chain kinase 2; plus strand). Cytogenetic location: 20q11.21.
Variant type: single nucleotide variant.
Coding change: c.1018C>T on transcript NM_033118.4 (MANE Select); coding-DNA position 1018, C replaced by T.
Protein change: p.Arg340Cys; replaces arginine 340 with cysteine.
Molecular consequence: missense variant.
Genome position (GRCh38, 1-based): chr20:31,826,650, C>T. VCF-style: chr20-31826650-C-T. GRCh37 (hg19) VCF-style: chr20-30414453-C-T.
Other names: short protein forms R340C.
Identifiers: ClinVar variation 426325 (VCV000426325.9), dbSNP rs763678910, ClinGen allele CA9803080.

ClinVar aggregate classification (germline): Uncertain significance. Review status: criteria provided, multiple submitters, no conflicts (2 of 4 stars). 3 submissions from 3 submitters: Uncertain significance (3). Last evaluated 2025-12-22.

Conditions:
Hypertrophic cardiomyopathy 1 (CMH1). Also called: Familial hypertrophic cardiomyopathy 1; MYH7-Related Familial Hypertrophic Cardiomyopathy. Identifiers: MedGen C3495498, MONDO:0008647, OMIM 192600.

Allele frequency attached by ClinVar (database versions not stated): TOPMed 0.00004; gnomAD 0.00006.
gnomAD v4.1: 47 of 1,613,900 alleles (0.0029%); highest among the groups gnomAD compares: Middle Eastern, 0.016%; no homozygotes.

Submissions (3):

Labcorp Genetics (formerly Invitae), Labcorp
Classification: Uncertain significance for Hypertrophic cardiomyopathy 1. Last evaluated: 2025-12-22. Review status: criteria provided, single submitter. Criteria: Invitae Variant Classification Sherloc (09022015). Collection method: clinical testing. Allele origin: germline.
Comment: This sequence change replaces arginine, which is basic and polar, with cysteine, which is neutral and slightly polar, at codon 340 of the MYLK2 protein (p.Arg340Cys). This variant is present in population databases (rs763678910, gnomAD 0.004%). This variant has not been reported in the literature in individuals affected with MYLK2-related conditions. ClinVar contains an entry for this variant (Variation ID: 426325). Invitae Evidence Modeling of protein sequence and biophysical properties (such as structural, functional, and spatial information, amino acid conservation, physicochemical variation, residue mobility, and thermodynamic stability) indicates that this missense variant is not expected to disrupt MYLK2 protein function with a negative predictive value of 80%. In summary, the available evidence is currently insufficient to determine the role of this variant in disease. Therefore, it has been classified as a Variant of Uncertain Significance.

Ambry Genetics
Classification: Uncertain significance. Last evaluated: 2025-01-10. Review status: criteria provided, single submitter. Criteria: Ambry Variant Classification Scheme 2023. Collection method: clinical testing. Allele origin: germline.
Comment: The p.R340C variant (also known as c.1018C>T), located in coding exon 6 of the MYLK2 gene, results from a C to T substitution at nucleotide position 1018. The arginine at codon 340 is replaced by cysteine, an amino acid with highly dissimilar properties. This amino acid position is conserved. In addition, this alteration is predicted to be tolerated by in silico analysis. Since supporting evidence is limited at this time, the clinical significance of this alteration remains unclear.

GeneDx
Classification: Uncertain significance. Last evaluated: 2017-04-20. Review status: criteria provided, single submitter. Criteria: GeneDx Variant Classification (06012015). Collection method: clinical testing. Allele origin: germline. Affected: yes.
Comment: The R340C variant of uncertain significance in the MYLK2 gene has not been published as pathogenic or been reported as benign to our knowledge. This variant is not observed at a significant frequency in large population cohorts (Lek et al., 2016; 1000 Genomes Consortium et al., 2015; Exome Variant Server). The R340C variant is a non-conservative amino acid substitution, which is likely to impact secondary protein structure as these residues differ in polarity, charge, size and/or other properties. However, this substitution occurs at a position that is not conserved across species, and cysteine is the wild-type amino acid at this position in at least one species. Furthermore, in silico analysis is inconsistent in its predictions as to whether or not the variant is damaging to the protein structure/function.